The following is an entry in ClinVar:

ClinVar aggregate classification (germline): Uncertain significance (1 of 4 stars; one submission).

Conditions:
Alpha-methylacyl-CoA racemase deficiency (AMACRD). Also called: AMACR deficiency. Identifiers: Orphanet 79095, MedGen C3280428, MONDO:0013681, OMIM 614307. Disease mechanism: loss of function.

Allele frequency attached by ClinVar (database versions not stated): gnomAD exomes below 0.00001.

Submission:

Labcorp Genetics (formerly Invitae), Labcorp
Classification: Uncertain significance for Alpha-methylacyl-CoA racemase deficiency. Last evaluated: 2022-05-25. Review status: criteria provided, single submitter. Criteria: Invitae Variant Classification Sherloc (09022015). Collection method: clinical testing. Allele origin: germline.
Comment: In summary, the available evidence is currently insufficient to determine the role of this variant in disease. Therefore, it has been classified as a Variant of Uncertain Significance. Algorithms developed to predict the effect of missense changes on protein structure and function are either unavailable or do not agree on the potential impact of this missense change (SIFT: "Tolerated"; PolyPhen-2: "Possibly Damaging"; Align-GVGD: "Class C0"). This variant has not been reported in the literature in individuals affected with AMACR-related conditions. This variant is not present in population databases (gnomAD no frequency). This sequence change replaces aspartic acid, which is acidic and polar, with histidine, which is basic and polar, at codon 370 of the AMACR protein (p.Asp370His).

NM_014324.6(AMACR):c.1108G>C (p.Asp370His)

Genes: C1QTNF3-AMACR (C1QTNF3-AMACR readthrough (NMD candidate); minus strand), AMACR (alpha-methylacyl-CoA racemase; minus strand). Cytogenetic location: 5p13.2.
Variant type: single nucleotide variant.
Coding change: c.1108G>C on transcript NM_014324.6 (MANE Select); coding-DNA position 1108, G replaced by C.
Protein change: p.Asp370His; replaces aspartic acid 370 with histidine.
Molecular consequence: missense variant. On other transcripts: non-coding transcript variant (1), 3 prime UTR variant (1).
Genome position (GRCh38, 1-based): chr5:33,989,134, C>G on the plus strand (G>C on the coding strand, the complement: AMACR is on the minus strand). VCF-style: chr5-33989134-C-G. GRCh37 (hg19) VCF-style: chr5-33989239-C-G.
Other names: c.1108G>C, p.Asp370His (NM_001167595.2); c.*350G>C (NM_203382.3); short protein forms D370H.
Identifiers: ClinVar variation 1994166 (VCV001994166.4), dbSNP rs2478950813, ClinGen allele CA359398620.
Genomic context (GRCh38, chr5:33,989,134, plus strand): 5'-TGAGCCGTGGGCCTGGAAGTTAGAGACTAGCTTTTACCTTATTACTTTCAATGATTTTAT[C>G]TGAGTTAAGCTGATAAATCTCTTCGCGGCTGAATCCAAATTCTTCAAGTATCTCCTCAGT-3'
Protein context (NP_055139.4, residues 360-380): SREEIYQLNS[Asp370His]KIIESNKVKA